The following is an entry in ClinVar:

ClinVar aggregate classification (germline): Uncertain significance (1 of 4 stars; one submission).

Conditions:
Parkinson disease, late-onset (PD). Also called: Hereditary late onset Parkinson disease; Susceptibility to Parkinson's Disease; PARKINSON DISEASE, LATE-ONSET, SUSCEPTIBILITY TO. Identifiers: Orphanet 411602, MedGen C3160718, MONDO:0008199, OMIM 168600.
Gaucher disease-ophthalmoplegia-cardiovascular calcification syndrome. Also called: GAUCHER DISEASE, TYPE IIIC. Identifiers: Orphanet 2072, MedGen C1856476, MONDO:0009268, OMIM 231005.
Gaucher disease type I (GD1). Also called: GD 1; Type 1 Gaucher Disease; ACID BETA-GLUCOSIDASE DEFICIENCY; Gaucher's disease, type 1; GAUCHER DISEASE, NONCEREBRAL JUVENILE; GBA DEFICIENCY. Identifiers: Orphanet 355, Orphanet 77259, MedGen C1961835, MONDO:0009265, OMIM 230800.
Gaucher disease type II (GD2). Also called: Type 2 Gaucher disease (Acute; Infantile); Acute neuronopathic Gaucher's disease; GAUCHER DISEASE, ACUTE NEURONOPATHIC TYPE; GD II. Identifiers: Orphanet 77260, MedGen C0268250, MONDO:0009266, OMIM 230900.
Gaucher disease type III. Also called: Type 3 Gaucher disease (Subacute; Juvenile); Subacute neuronopathic Gaucher's disease; GAUCHER DISEASE, CHRONIC NEURONOPATHIC TYPE; GAUCHER DISEASE, JUVENILE AND ADULT, CEREBRAL; GAUCHER DISEASE, SUBACUTE NEURONOPATHIC TYPE; GD III. Identifiers: Orphanet 355, Orphanet 77261, MedGen C0268251, MONDO:0009267, OMIM 231000.
Lewy body dementia (DLB). Also called: Lewy Body Disease. Identifiers: MedGen C0752347, MONDO:0007488, OMIM 127750.
Gaucher disease perinatal lethal. Also called: Gaucher disease collodion type; Gaucher Disease, Perinatal-Lethal Form. Identifiers: Orphanet 85212, MedGen C1842704, MONDO:0011945, OMIM 608013.

Submission:

Juno Genomics, Hangzhou Juno Genomics, Inc
Classification: Uncertain significance for Lewy body dementia; Parkinson disease, late-onset; Gaucher disease perinatal lethal; Gaucher disease type I; Gaucher disease type II; Gaucher disease type III; Gaucher disease-ophthalmoplegia-cardiovascular calcification syndrome. Review status: criteria provided, single submitter. Criteria: ACMG Guidelines, 2015. Collection method: clinical testing. Allele origin: germline.
Comment: Absent from controls (or at extremely low frequency if recessive) in Genome Aggregation Database.;Multiple lines of computational evidence support a deleterious effect on the gene or gene product.

NM_000157.4(GBA1):c.362G>A (p.Gly121Glu)

Genes: GBA1 (glucosylceramidase beta 1; minus strand), LOC106627981 (GBA recombination region; plus strand). Cytogenetic location: 1q22.
Variant type: single nucleotide variant.
Coding change: c.362G>A on transcript NM_000157.4 (MANE Select); coding-DNA position 362, G replaced by A.
Protein change: p.Gly121Glu; replaces glycine 121 with glutamic acid.
Molecular consequence: missense variant. On other transcripts: intron variant (1).
Genome position (GRCh38, 1-based): chr1:155,239,708, C>T on the plus strand (G>A on the coding strand, the complement: GBA1 is on the minus strand). VCF-style: chr1-155239708-C-T. GRCh37 (hg19) VCF-style: chr1-155209499-C-T.
Other names: c.362G>A, p.Gly121Glu (NM_001005741.3, NM_001005742.3); c.101G>A, p.Gly34Glu (NM_001171811.2); c.307+178G>A (NM_001171812.2); short protein forms G34E, G121E.
Identifiers: ClinVar variation 5007829 (VCV005007829.2).